The following is an entry in ClinVar:

NM_001354483.2(CSGALNACT1):c.354C>T (p.Ala118=)

Gene: CSGALNACT1 (chondroitin sulfate N-acetylgalactosaminyltransferase 1; minus strand). Cytogenetic location: 8p21.3.
Variant type: single nucleotide variant.
Coding change: c.354C>T on transcript NM_001354483.2 (MANE Select); coding-DNA position 354, C replaced by T.
Protein change: p.Ala118=; no amino-acid change (alanine 118 retained).
Molecular consequence: synonymous variant. On other transcripts: non-coding transcript variant (7).
Genome position (GRCh38, 1-based): chr8:19,505,481, G>A on the plus strand (C>T on the coding strand, the complement: CSGALNACT1 is on the minus strand). VCF-style: chr8-19505481-G-A. GRCh37 (hg19) VCF-style: chr8-19362992-G-A.
Other names: c.354C>T, p.Ala118= (NM_001130518.2, NM_001354475.2, NM_001354476.2 and 18 more transcripts).
Identifiers: ClinVar variation 3052944 (VCV003052944.3), dbSNP rs575336954, ClinGen allele CA4654276.

ClinVar aggregate classification (germline): Likely benign. Review status: criteria provided, single submitter (1 of 4 stars). 2 submissions from 2 submitters: Likely benign (1). 1 of the submissions does not count toward it. Last evaluated 2025-05-22.

Conditions:
CSGALNACT1-related disorder. Also called: CSGALNACT1-related condition.

Allele frequency attached by ClinVar (database versions not stated): gnomAD 0.00001; gnomAD exomes 0.00001; TOPMed 0.00002; ExAC 0.00007; 1000 Genomes Project 30x 0.00016; 1000 Genomes Project 0.00020.
gnomAD v4.1: 26 of 1,614,150 alleles (0.0016%); highest among the groups gnomAD compares: East Asian, 0.029%; no homozygotes.

Submissions (2):

Labcorp Genetics (formerly Invitae), Labcorp
Classification: Likely benign. Last evaluated: 2025-05-22. Review status: criteria provided, single submitter. Criteria: Invitae Variant Classification Sherloc (09022015). Collection method: clinical testing. Allele origin: germline.

PreventionGenetics, part of Exact Sciences
Classification: Likely benign for CSGALNACT1-related condition. Last evaluated: 2019-08-30. Review status: no assertion criteria provided. Collection method: clinical testing. Allele origin: germline. Not counted in ClinVar's aggregate classification.
Comment: This variant is classified as likely benign based on ACMG/AMP sequence variant interpretation guidelines (Richards et al. 2015 PMID: 25741868, with internal and published modifications).